The following is an entry in ClinVar:

ClinVar aggregate classification (germline): Pathogenic (1 of 4 stars; one submission).

Submission:

Labcorp Genetics (formerly Invitae), Labcorp
Classification: Pathogenic. Last evaluated: 2020-03-17. Review status: criteria provided, single submitter. Criteria: Invitae Variant Classification Sherloc (09022015). Collection method: clinical testing. Allele origin: germline.
Comment: This sequence change creates a premature translational stop signal (p.Met112Trpfs*25) in the ABCC8 gene. It is expected to result in an absent or disrupted protein product. This variant is not present in population databases (ExAC no frequency). This variant has not been reported in the literature in individuals with ABCC8-related conditions. Loss-of-function variants in ABCC8 are known to be pathogenic (PMID: 20685672, 23345197). For these reasons, this variant has been classified as Pathogenic.

Literature cited by the submitters: PubMed 20685672; PubMed 23345197.

NM_000352.6(ABCC8):c.333del (p.Met112fs)

Gene: ABCC8 (ATP binding cassette subfamily C member 8; minus strand). Cytogenetic location: 11p15.1.
Variant type: Deletion.
Coding change: c.333del on transcript NM_000352.6 (MANE Select); coding-DNA position 333, one base deleted (G; older notation c.333delG).
Protein change: p.Met112fs; shifts the reading frame from methionine 112.
Molecular consequence: frameshift variant. On other transcripts: non-coding transcript variant (1).
Genome position (GRCh38, 1-based): chr11:17,470,180, C deleted on the plus strand (G on the coding strand, the reverse complement: ABCC8 is on the minus strand); the first of 3 consecutive C bases (chr11:17,470,180-17,470,182); deleting any one gives the same sequence. VCF-style (leftmost placement, unchanged base first): chr11-17470179-TC-T. GRCh37 (hg19) VCF-style: chr11-17491726-TC-T.
Other names: c.333del, p.Met112fs (NM_001287174.3, NM_001351295.2, NM_001351296.2 and 1 more transcripts); short protein forms M112fs.
Identifiers: ClinVar variation 1072639 (VCV001072639.7), dbSNP rs2133711362, ClinGen allele CA2499220834.